The following is an entry in ClinVar:

ClinVar aggregate classification (germline): Uncertain significance (1 of 4 stars; one submission).

gnomAD v4.1: 29 of 1,614,208 alleles (0.0018%); highest among the groups gnomAD compares: South Asian, 0.023%; no homozygotes.

Submission:

GeneDx
Classification: Uncertain significance. Last evaluated: 2026-03-31. Review status: criteria provided, single submitter. Criteria: GeneDx Variant Classification Process June 2021. Collection method: clinical testing. Allele origin: germline.
Comment: In silico analysis suggests that this missense variant does not alter protein structure/function; Has not been previously published as pathogenic or benign to our knowledge

NM_016011.5(MECR):c.244A>G (p.Ile82Val)

Gene: MECR (mitochondrial trans-2-enoyl-CoA reductase; minus strand). Cytogenetic location: 1p35.3.
Variant type: single nucleotide variant.
Coding change: c.244A>G on transcript NM_016011.5 (MANE Select); coding-DNA position 244, A replaced by G.
Protein change: p.Ile82Val; replaces isoleucine 82 with valine.
Molecular consequence: missense variant. On other transcripts: non-coding transcript variant (4).
Genome position (GRCh38, 1-based): chr1:29,216,618, T>C on the plus strand (A>G on the coding strand, the complement: MECR is on the minus strand). VCF-style: chr1-29216618-T-C. GRCh37 (hg19) VCF-style: chr1-29543130-T-C.
Other names: c.16A>G, p.Ile6Val (NM_001024732.4, NM_001349711.2, NM_001349712.2 and 2 more transcripts); c.349A>G, p.Ile117Val (NM_001349715.2); c.328A>G, p.Ile110Val (NM_001349716.2); c.94A>G, p.Ile32Val (NM_001349717.2); short protein forms I110V, I117V, I32V, I6V, I82V.
Identifiers: ClinVar variation 5017799 (VCV005017799.1).
Genomic context (GRCh38, chr1:29,216,618, plus strand): 5'-ATTAACATAAGCCACAGAAACCAAGGTTACCTTGGATCATATTTATGTCAGATGGATTGA[T>C]AGGGGCCGCCAGCATCTTCACACGGACATCTGATCCTCTCACAGCAGCTAGCTCCAGGTT-3'
Protein context (NP_057095.4, residues 72-92): DVRVKMLAAP[Ile82Val]NPSDINMIQG